The following is an entry in ClinVar:

NM_002541.4(OGDH):c.1659T>C (p.Pro553=)

Gene: OGDH (oxoglutarate dehydrogenase; plus strand). Cytogenetic location: 7p13.
Variant type: single nucleotide variant.
Coding change: c.1659T>C on transcript NM_002541.4 (MANE Select); coding-DNA position 1659, T replaced by C.
Protein change: p.Pro553=; no amino-acid change (proline 553 retained).
Molecular consequence: synonymous variant.
Genome position (GRCh38, 1-based): chr7:44,694,567, T>C. VCF-style: chr7-44694567-T-C. GRCh37 (hg19) VCF-style: chr7-44734166-T-C.
Other names: c.1647T>C, p.Pro549= (NM_001165036.2); c.1692T>C, p.Pro564= (NM_001363523.2); c.1692T>C (NM_001363523.1).
Identifiers: ClinVar variation 1087513 (VCV001087513.11), dbSNP rs762293053, ClinGen allele CA4243881.

ClinVar aggregate classification (germline): Likely benign. Review status: criteria provided, single submitter (1 of 4 stars). 2 submissions from 2 submitters: Likely benign (1). 1 of the submissions does not count toward it. Last evaluated 2026-01-12.

Conditions:
Oxoglutaricaciduria. Identifiers: Orphanet 31, MedGen C2752074, MONDO:0008759, OMIM 203740.
OGDH-related disorder. Also called: OGDH-related condition.

Allele frequency attached by ClinVar (database versions not stated): gnomAD 0.00005 and 0.00007; gnomAD exomes 0.00006; ExAC 0.00007; TOPMed 0.00007.
gnomAD v4.1: 91 of 1,613,966 alleles (0.0056%); highest among the groups gnomAD compares: Non-Finnish European, 0.0075%; no homozygotes.

Submissions (2):

Labcorp Genetics (formerly Invitae), Labcorp
Classification: Likely benign for Oxoglutaricaciduria. Last evaluated: 2026-01-12. Review status: criteria provided, single submitter. Criteria: Invitae Variant Classification Sherloc (09022015). Collection method: clinical testing. Allele origin: germline.

PreventionGenetics, part of Exact Sciences
Classification: Likely benign for OGDH-related condition. Last evaluated: 2023-10-12. Review status: no assertion criteria provided. Collection method: clinical testing. Allele origin: germline. Not counted in ClinVar's aggregate classification.
Comment: This variant is classified as likely benign based on ACMG/AMP sequence variant interpretation guidelines (Richards et al. 2015 PMID: 25741868, with internal and published modifications).